The following is an entry in ClinVar:

ClinVar aggregate classification (germline): Uncertain significance. Review status: criteria provided, multiple submitters, no conflicts (2 of 4 stars). 5 submissions from 4 submitters: Uncertain significance (5). Last evaluated 2026-01-26.

Conditions:
Familial thoracic aortic aneurysm and aortic dissection (TAAD). Also called: Thoracic aortic aneurysms and dissections. Identifiers: Orphanet 91387, MedGen C4707243, MONDO:0019625.
Adams-Oliver syndrome 5 (AOS5). Identifiers: Orphanet 974, MedGen C4014970, MONDO:0014459, OMIM 616028.
Aortic valve disease 1 (AOVD1). Identifiers: MedGen C3887892, MONDO:0024523, OMIM 109730.

Allele frequency attached by ClinVar (database versions not stated): gnomAD 0.00001; gnomAD exomes 0.00001.
gnomAD v4.1: 10 of 1,610,174 alleles (0.00062%); highest among the groups gnomAD compares: Non-Finnish European, 0.00085%; no homozygotes.

Submissions (5):

Labcorp Genetics (formerly Invitae), Labcorp
Classification: Uncertain significance for Adams-Oliver syndrome 5. Last evaluated: 2026-01-26. Review status: criteria provided, single submitter. Criteria: Invitae Variant Classification Sherloc (09022015). Collection method: clinical testing. Allele origin: germline.
Comment: This sequence change replaces asparagine, which is neutral and polar, with threonine, which is neutral and polar, at codon 2248 of the NOTCH1 protein (p.Asn2248Thr). This variant is not present in population databases (gnomAD no frequency). This variant has not been reported in the literature in individuals affected with NOTCH1-related conditions. ClinVar contains an entry for this variant (Variation ID: 520092). Invitae Evidence Modeling of protein sequence and biophysical properties (such as structural, functional, and spatial information, amino acid conservation, physicochemical variation, residue mobility, and thermodynamic stability) indicates that this missense variant is not expected to disrupt NOTCH1 protein function with a negative predictive value of 80%. In summary, the available evidence is currently insufficient to determine the role of this variant in disease. Therefore, it has been classified as a Variant of Uncertain Significance.

Women's Health and Genetics/Laboratory Corporation of America, LabCorp
Classification: Uncertain significance. Last evaluated: 2025-02-24. Review status: criteria provided, single submitter. Criteria: LabCorp Variant Classification Summary - May 2015. Collection method: clinical testing. Allele origin: germline.
Comment: Variant summary: NOTCH1 c.6743A>C (p.Asn2248Thr) results in a non-conservative amino acid change in the encoded protein sequence. Two of four in-silico tools predict a benign effect of the variant on protein function. The variant was absent in 242048 control chromosomes. The available data on variant occurrences in the general population are insufficient to allow any conclusion about variant significance. To our knowledge, no occurrence of c.6743A>C in individuals affected with Adams-Oliver Syndrome 5 and no experimental evidence demonstrating its impact on protein function have been reported. ClinVar contains an entry for this variant (Variation ID: 520092). Based on the evidence outlined above, the variant was classified as uncertain significance.

Genome-Nilou Lab
Classification: Uncertain significance for Adams-Oliver syndrome 5. Last evaluated: 2022-03-15. Review status: criteria provided, single submitter. Criteria: ACMG Guidelines, 2015. Collection method: clinical testing. Allele origin: germline. Affected: no.

Genome-Nilou Lab
Classification: Uncertain significance for Aortic valve disease 1. Last evaluated: 2022-03-15. Review status: criteria provided, single submitter. Criteria: ACMG Guidelines, 2015. Collection method: clinical testing. Allele origin: germline. Affected: no.

Ambry Genetics
Classification: Uncertain significance for Familial thoracic aortic aneurysm and aortic dissection. Last evaluated: 2017-10-26. Review status: criteria provided, single submitter. Criteria: Ambry Variant Classification Scheme 2023. Collection method: clinical testing. Allele origin: germline.
Comment: The p.N2248T variant (also known as c.6743A>C), located in coding exon 34 of the NOTCH1 gene, results from an A to C substitution at nucleotide position 6743. The asparagine at codon 2248 is replaced by threonine, an amino acid with similar properties. This amino acid position is not well conserved in available vertebrate species, and threonine is the reference amino acid in other vertebrate species. In addition, this alteration is predicted to be tolerated by in silico analysis. Since supporting evidence is limited at this time, the clinical significance of this alteration remains unclear.

Literature cited by the submitters: PubMed 24943832 (cited by Women's Health and Genetics/Laboratory Corporation of America, LabCorp); PubMed 16614245 (cited by Women's Health and Genetics/Laboratory Corporation of America, LabCorp); PubMed 21670202 (cited by Women's Health and Genetics/Laboratory Corporation of America, LabCorp); PubMed 22210878 (cited by Women's Health and Genetics/Laboratory Corporation of America, LabCorp); PubMed 19635999 (cited by Women's Health and Genetics/Laboratory Corporation of America, LabCorp); PubMed 26837699 (cited by Women's Health and Genetics/Laboratory Corporation of America, LabCorp); PubMed 23086750 (cited by Women's Health and Genetics/Laboratory Corporation of America, LabCorp); PubMed 19245433 (cited by Women's Health and Genetics/Laboratory Corporation of America, LabCorp); PubMed 22077063 (cited by Women's Health and Genetics/Laboratory Corporation of America, LabCorp); PubMed 15472075 (cited by Women's Health and Genetics/Laboratory Corporation of America, LabCorp); PubMed 23734977 (cited by Women's Health and Genetics/Laboratory Corporation of America, LabCorp); PubMed 22858860 (cited by Women's Health and Genetics/Laboratory Corporation of America, LabCorp).

NM_017617.5(NOTCH1):c.6743A>C (p.Asn2248Thr)

Gene: NOTCH1 (notch receptor 1; minus strand). Cytogenetic location: 9q34.3.
Variant type: single nucleotide variant.
Coding change: c.6743A>C on transcript NM_017617.5 (MANE Select); coding-DNA position 6743, A replaced by C.
Protein change: p.Asn2248Thr; replaces asparagine 2248 with threonine.
Molecular consequence: missense variant.
Genome position (GRCh38, 1-based): chr9:136,496,996, T>G on the plus strand (A>C on the coding strand, the complement: NOTCH1 is on the minus strand). VCF-style: chr9-136496996-T-G. GRCh37 (hg19) VCF-style: chr9-139391448-T-G.
Other names: c.6743A>C, p.Asn2248Thr (LRG_1122t1); short protein forms N2248T.
Identifiers: ClinVar variation 520092 (VCV000520092.15), dbSNP rs1554826464, ClinGen allele CA375630429.